The following is an entry in ClinVar:

NM_032119.4(ADGRV1):c.18022_18023del (p.Arg6008fs)

Gene: ADGRV1 (adhesion G protein-coupled receptor V1; plus strand). Cytogenetic location: 5q14.3.
Variant type: Microsatellite.
Coding change: c.18022_18023del on transcript NM_032119.4 (MANE Select); coding-DNA positions 18022 to 18023, 2 bases deleted (AG; older notation c.18022_18023delAG).
Protein change: p.Arg6008fs; shifts the reading frame from arginine 6008.
Molecular consequence: frameshift variant. On other transcripts: non-coding transcript variant (1).
Genome position (GRCh38, 1-based): chr5:90,985,392-90,985,393, AG deleted; deleting any 2 consecutive bases within chr5:90,985,388-90,985,393 gives the same sequence; the c. name uses the placement nearest the transcript's 3' end. VCF-style (leftmost placement, unchanged base first): chr5-90985387-CAG-C. GRCh37 (hg19) VCF-style: chr5-90281204-CAG-C.
Other names: short protein forms R6008fs.
Identifiers: ClinVar variation 2104490 (VCV002104490.5), dbSNP rs1415819726, ClinGen allele CA561217645.
Genomic context (GRCh38, chr5:90,985,387, plus strand): 5'-GTTGTTTTCTTCCTTAGTCTGTGAATTTCTGGTACGTGCTGGTGATGAATGATGAGCACA[CAG>C]AGAGGCGATATCTGCTGTTTTTCCTTCTGAGTTGGGGACTACCAGCTTTTGTGGTGATTC-3'

ClinVar aggregate classification (germline): Pathogenic/Likely pathogenic. Review status: criteria provided, multiple submitters, no conflicts (2 of 4 stars). 2 submissions from 2 submitters: Pathogenic (1); Likely pathogenic (1). Last evaluated 2023-12-11.

Conditions:
ADGRV1-related disorder. Also called: ADGRV1-related condition; ADGRV1-related disorders.

Submissions (2):

Labcorp Genetics (formerly Invitae), Labcorp
Classification: Pathogenic. Last evaluated: 2023-12-11. Review status: criteria provided, single submitter. Criteria: Invitae Variant Classification Sherloc (09022015). Collection method: clinical testing. Allele origin: germline.
Comment: This sequence change creates a premature translational stop signal (p.Arg6008Alafs*42) in the ADGRV1 gene. It is expected to result in an absent or disrupted protein product. Loss-of-function variants in ADGRV1 are known to be pathogenic (PMID: 19357117, 22135276, 22147658, 26226137, 30718709, 31047384, 32467589). This variant is present in population databases (no rsID available, gnomAD 0.007%). This variant has not been reported in the literature in individuals affected with ADGRV1-related conditions. For these reasons, this variant has been classified as Pathogenic.

Blueprint Genetics
Classification: Likely pathogenic for ADGRV1-related disorders. Last evaluated: 2022-03-01. Review status: criteria provided, single submitter. Criteria: ACMG Guidelines, 2015. Collection method: clinical testing. Allele origin: germline. Affected: yes. Observed: 1 variant allele.

Literature cited by the submitters: PubMed 19357117 (cited by Labcorp Genetics (formerly Invitae), Labcorp); PubMed 22135276 (cited by Labcorp Genetics (formerly Invitae), Labcorp); PubMed 22147658 (cited by Labcorp Genetics (formerly Invitae), Labcorp); PubMed 26226137 (cited by Labcorp Genetics (formerly Invitae), Labcorp); PubMed 30718709 (cited by Labcorp Genetics (formerly Invitae), Labcorp); PubMed 31047384 (cited by Labcorp Genetics (formerly Invitae), Labcorp); PubMed 32467589 (cited by Labcorp Genetics (formerly Invitae), Labcorp).